The following is an entry in ClinVar:

ClinVar aggregate classification (germline): Conflicting classifications of pathogenicity. Review status: criteria provided, conflicting classifications (1 of 4 stars). 2 submissions from 2 submitters: Uncertain significance (1); Likely benign (1). Last evaluated 2025-04-28.

Allele frequency attached by ClinVar (database versions not stated): gnomAD exomes below 0.00001.
gnomAD v4.1: 1 of 1,601,308 alleles (0.000062%); highest among the groups gnomAD compares: Non-Finnish European, 0.000085%; no homozygotes.

Submissions (2):

Labcorp Genetics (formerly Invitae), Labcorp
Classification: Likely benign. Last evaluated: 2025-04-28. Review status: criteria provided, single submitter. Criteria: Invitae Variant Classification Sherloc (09022015). Collection method: clinical testing. Allele origin: germline.

GeneDx
Classification: Uncertain significance. Last evaluated: 2021-06-22. Review status: criteria provided, single submitter. Criteria: GeneDx Variant Classification Process June 2021. Collection method: clinical testing. Allele origin: germline. Affected: yes.
Comment: Not observed at significant frequency in large population cohorts (Lek et al., 2016); In silico analysis supports that this missense variant has a deleterious effect on protein structure/function; Has not been previously published as pathogenic or benign to our knowledge; This variant is associated with the following publications: (PMID: 27535533)

NM_001037333.3(CYFIP2):c.1084G>A (p.Glu362Lys)

Gene: CYFIP2 (cytoplasmic FMR1 interacting protein 2; plus strand). Cytogenetic location: 5q33.3.
Variant type: single nucleotide variant.
Coding change: c.1084G>A on transcript NM_001037333.3 (MANE Select); coding-DNA position 1084, G replaced by A.
Protein change: p.Glu362Lys; replaces glutamic acid 362 with lysine.
Molecular consequence: missense variant.
Genome position (GRCh38, 1-based): chr5:157,311,755, G>A. VCF-style: chr5-157311755-G-A. GRCh37 (hg19) VCF-style: chr5-156738763-G-A.
Other names: c.1006G>A, p.Glu336Lys (NM_001291721.2); c.1084G>A, p.Glu362Lys (NM_001291722.2, NM_014376.4); short protein forms E336K, E362K.
Identifiers: ClinVar variation 1329845 (VCV001329845.9), dbSNP rs2113041052, ClinGen allele CA361968118.